The following is an entry in ClinVar:

ClinVar aggregate classification (germline): Uncertain significance. Review status: criteria provided, multiple submitters, no conflicts (2 of 4 stars). 2 submissions from 2 submitters: Uncertain significance (2). Last evaluated 2024-11-21.

Conditions:
Inborn genetic diseases. Identifiers: MedGen C0950123, MeSH D030342.

Allele frequency attached by ClinVar (database versions not stated): gnomAD 0.00001; gnomAD exomes 0.00001; 1000 Genomes Project 30x 0.00016.
gnomAD v4.1: 7 of 1,360,520 alleles (0.00051%); highest among the groups gnomAD compares: East Asian, 0.016%; no homozygotes.

Submissions (2):

Ambry Genetics
Classification: Uncertain significance for Inborn genetic diseases. Last evaluated: 2024-11-21. Review status: criteria provided, single submitter. Criteria: Ambry Variant Classification Scheme 2023. Collection method: clinical testing. Allele origin: germline.

Labcorp Genetics (formerly Invitae), Labcorp
Classification: Uncertain significance. Last evaluated: 2023-01-17. Review status: criteria provided, single submitter. Criteria: Invitae Variant Classification Sherloc (09022015). Collection method: clinical testing. Allele origin: germline.
Comment: This sequence change replaces alanine, which is neutral and non-polar, with threonine, which is neutral and polar, at codon 60 of the TBX4 protein (p.Ala60Thr). This variant is not present in population databases (gnomAD no frequency). In summary, the available evidence is currently insufficient to determine the role of this variant in disease. Therefore, it has been classified as a Variant of Uncertain Significance. Advanced modeling of protein sequence and biophysical properties (such as structural, functional, and spatial information, amino acid conservation, physicochemical variation, residue mobility, and thermodynamic stability) performed at Invitae indicates that this missense variant is not expected to disrupt TBX4 protein function. This variant has not been reported in the literature in individuals affected with TBX4-related conditions.

NM_001321120.2(TBX4):c.178G>A (p.Ala60Thr)

Gene: TBX4 (T-box transcription factor 4; plus strand). Cytogenetic location: 17q23.2.
Variant type: single nucleotide variant.
Coding change: c.178G>A on transcript NM_001321120.2 (MANE Select); coding-DNA position 178, G replaced by A.
Protein change: p.Ala60Thr; replaces alanine 60 with threonine.
Molecular consequence: missense variant.
Genome position (GRCh38, 1-based): chr17:61,456,668, G>A. VCF-style: chr17-61456668-G-A. GRCh37 (hg19) VCF-style: chr17-59534029-G-A.
Other names: c.178G>A (NM_018488.2); c.178G>A, p.Ala60Thr (NM_018488.3); short protein forms A60T.
Identifiers: ClinVar variation 2821134 (VCV002821134.4), dbSNP rs1432114446, ClinGen allele CA400469191.